The following is an entry in ClinVar:

ClinVar aggregate classification (germline): Benign/Likely benign. Review status: criteria provided, multiple submitters, no conflicts (2 of 4 stars). 5 submissions from 4 submitters: Benign (1); Likely benign (4). Last evaluated 2026-01-21.

Conditions:
Fibrochondrogenesis 1 (FBCG1). Identifiers: Orphanet 2021, MedGen C3278138, MONDO:0009226, OMIM 228520.
Stickler syndrome type 2 (STL2). Also called: STICKLER SYNDROME, BEADED VITREOUS TYPE; STICKLER SYNDROME, VITREOUS TYPE 2; STICKLER SYNDROME, TYPE II; COL11A1-Related Stickler Syndrome. Identifiers: Orphanet 828, Orphanet 90654, MedGen C1858084, MONDO:0011493, OMIM 604841.

Allele frequency attached by ClinVar (database versions not stated): gnomAD below 0.00001 and 0.00016; TOPMed 0.00004; gnomAD exomes 0.00058; ExAC 0.00067; 1000 Genomes Project 30x 0.00078; 1000 Genomes Project 0.00100.
gnomAD v4.1: 395 of 1,613,402 alleles (0.024%); highest among the groups gnomAD compares: South Asian, 0.41%; 4 homozygotes.

Submissions (5):

Labcorp Genetics (formerly Invitae), Labcorp
Classification: Benign. Last evaluated: 2026-01-21. Review status: criteria provided, single submitter. Criteria: Invitae Variant Classification Sherloc (09022015). Collection method: clinical testing. Allele origin: germline.

Blueprint Genetics
Classification: Likely benign. Last evaluated: 2024-09-06. Review status: criteria provided, single submitter. Criteria: ACMG Guidelines, 2015. Collection method: clinical testing. Allele origin: germline.

GeneDx
Classification: Likely benign. Last evaluated: 2020-10-30. Review status: criteria provided, single submitter. Criteria: GeneDx Variant Classification Process June 2021. Collection method: clinical testing. Allele origin: germline. Affected: yes.

Illumina Laboratory Services, Illumina
Classification: Likely benign for Fibrochondrogenesis 1. Last evaluated: 2018-01-12. Review status: criteria provided, single submitter. Criteria: ICSL Variant Classification Criteria 13 December 2019. Collection method: clinical testing. Allele origin: germline.
Comment: This variant was observed in the ICSL laboratory as part of a predisposition screen in an ostensibly healthy population. It had not been previously curated by ICSL or reported in the Human Gene Mutation Database (HGMD: prior to June 1st, 2018), and was therefore a candidate for classification through an automated scoring system. Utilizing variant allele frequency, disease prevalence and penetrance estimates, and inheritance mode, an automated score was calculated to assess if this variant is too frequent to cause the disease. Based on the score and internal cut-off values, a variant classified as likely benign is not then subjected to further curation. The score for this variant resulted in a classification of likely benign for this disease.

Illumina Laboratory Services, Illumina
Classification: Likely benign for Stickler syndrome type 2. Last evaluated: 2018-01-12. Review status: criteria provided, single submitter. Criteria: ICSL Variant Classification Criteria 13 December 2019. Collection method: clinical testing. Allele origin: germline.
Comment: the same text as in the submission from Illumina Laboratory Services, Illumina above.

NM_001854.4(COL11A1):c.5325T>C (p.Ile1775=)

Gene: COL11A1 (collagen type XI alpha 1 chain; minus strand). Cytogenetic location: 1p21.1.
Variant type: single nucleotide variant.
Coding change: c.5325T>C on transcript NM_001854.4 (MANE Select); coding-DNA position 5325, T replaced by C.
Protein change: p.Ile1775=; no amino-acid change (isoleucine 1775 retained).
Molecular consequence: synonymous variant. On other transcripts: non-coding transcript variant (1).
Genome position (GRCh38, 1-based): chr1:102,878,115, A>G on the plus strand (T>C on the coding strand, the complement: COL11A1 is on the minus strand). VCF-style: chr1-102878115-A-G. GRCh37 (hg19) VCF-style: chr1-103343671-A-G.
Other names: c.5208T>C, p.Ile1736= (NM_001190709.2); c.5361T>C, p.Ile1787= (NM_080629.3); c.4977T>C, p.Ile1659= (NM_080630.4).
Identifiers: ClinVar variation 514187 (VCV000514187.16), dbSNP rs532113782, ClinGen allele CA973255.